The following is an entry in ClinVar:

ClinVar aggregate classification (germline): Pathogenic (1 of 4 stars; one submission).

Conditions:
Neurofibromatosis, type 1 (NF1). Also called: VON RECKLINGHAUSEN DISEASE; NEUROFIBROMATOSIS, TYPE I, SOMATIC; Peripheral type neurofibromatosis; Neurofibromatosis, type I. Identifiers: Orphanet 636, MedGen C0027831, MONDO:0018975, OMIM 162200. Disease mechanism: loss of function.

Submission:

Labcorp Genetics (formerly Invitae), Labcorp
Classification: Pathogenic for Neurofibromatosis, type 1. Last evaluated: 2019-03-28. Review status: criteria provided, single submitter. Criteria: Invitae Variant Classification Sherloc (09022015). Collection method: clinical testing. Allele origin: germline.
Comment: For these reasons, this variant has been classified as Pathogenic. Loss-of-function variants in NF1 are known to be pathogenic (PMID: 10712197, 23913538). This variant has not been reported in the literature in individuals with NF1-related disease. This variant is not present in population databases (ExAC no frequency). This sequence change creates a premature translational stop signal (p.Ile61Asnfs*6) in the NF1 gene. It is expected to result in an absent or disrupted protein product.

Literature cited by the submitters: PubMed 10712197; PubMed 23913538.

NM_001042492.3(NF1):c.181dup (p.Ile61fs)

Gene: NF1 (neurofibromin 1; plus strand). Cytogenetic location: 17q11.2.
Variant type: Duplication.
Coding change: c.181dup on transcript NM_001042492.3 (MANE Select); coding-DNA position 181, one base duplicated (A; older notation c.181dupA).
Protein change: p.Ile61fs; shifts the reading frame from isoleucine 61.
Molecular consequence: frameshift variant.
Genome position (GRCh38, 1-based): chr17:31,156,103, A duplicated. VCF-style (leftmost placement, unchanged base first): chr17-31156102-T-TA. GRCh37 (hg19) VCF-style: chr17-29483120-T-TA.
Other names: c.181dupA (NM_000267.3); c.181dup, p.Ile61Asnfs (NM_000267.4); c.181dup, p.Ile61fs (NM_001128147.3); short protein forms I61fs.
Identifiers: ClinVar variation 527552 (VCV000527552.7), dbSNP rs1555604935, ClinGen allele CA658798747.